The following is an entry in ClinVar:

NM_000441.2(SLC26A4):c.616T>G (p.Leu206Val)

Gene: SLC26A4 (solute carrier family 26 member 4; plus strand). Cytogenetic location: 7q22.3.
Variant type: single nucleotide variant.
Coding change: c.616T>G on transcript NM_000441.2 (MANE Select); coding-DNA position 616, T replaced by G.
Protein change: p.Leu206Val; replaces leucine 206 with valine.
Molecular consequence: missense variant.
Genome position (GRCh38, 1-based): chr7:107,674,960, T>G. VCF-style: chr7-107674960-T-G. GRCh37 (hg19) VCF-style: chr7-107315405-T-G.
Other names: short protein forms L206V.
Identifiers: ClinVar variation 3371274 (VCV003371274.1).
Genomic context (GRCh38, chr7:107,674,960, plus strand): 5'-ATCTCAGGCAAACATTTAATTTTTCTTTCCTTTTCCTTATCGTAGTTGATATTTGGTGGC[T>G]TGCAGATTGGATTCATAGTGAGGTACTTGGCAGATCCTTTGGTTGGTGGCTTCACAACAG-3'
Protein context (NP_000432.1, residues 196-216): VGIIQLIFGG[Leu206Val]QIGFIVRYLA

ClinVar aggregate classification (germline): Uncertain significance (1 of 4 stars; one submission).

Submission:

GeneDx
Classification: Uncertain significance. Last evaluated: 2024-03-27. Review status: criteria provided, single submitter. Criteria: GeneDx Variant Classification Process June 2021. Collection method: clinical testing. Allele origin: germline. Affected: yes.
Comment: Not observed at significant frequency in large population cohorts (gnomAD); In silico analysis supports that this missense variant does not alter protein structure/function; Has not been previously published as pathogenic or benign to our knowledge